The following is an entry in ClinVar:

NM_000089.4(COL1A2):c.3140T>G (p.Val1047Gly)

Gene: COL1A2 (collagen type I alpha 2 chain; plus strand). Cytogenetic location: 7q21.3.
Variant type: single nucleotide variant.
Coding change: c.3140T>G on transcript NM_000089.4 (MANE Select); coding-DNA position 3140, T replaced by G.
Protein change: p.Val1047Gly; replaces valine 1047 with glycine.
Molecular consequence: missense variant.
Genome position (GRCh38, 1-based): chr7:94,427,042, T>G. VCF-style: chr7-94427042-T-G. GRCh37 (hg19) VCF-style: chr7-94056354-T-G.
Other names: short protein forms V1047G.
Identifiers: ClinVar variation 1314659 (VCV001314659.9), dbSNP rs1033662953, ClinGen allele CA162940666.

ClinVar aggregate classification (germline): Uncertain significance. Review status: criteria provided, multiple submitters, no conflicts (2 of 4 stars). 3 submissions from 3 submitters: Uncertain significance (3). Last evaluated 2025-01-01.

Conditions:
Cardiovascular phenotype. Identifiers: MedGen CN230736.
Osteogenesis imperfecta type I (OI1). Also called: OI, TYPE I; OSTEOGENESIS IMPERFECTA TARDA; OSTEOGENESIS IMPERFECTA WITH BLUE SCLERAE; Osteogenesis imperfecta type 1; Lobstein's Disease; Lobstein disease. Identifiers: Orphanet 216796, Orphanet 666, MedGen C0023931, MONDO:0008146, OMIM 166200. Disease mechanism: loss of function.
Ehlers-Danlos syndrome, classic type, 1 (EDSCL1). Also called: EHLERS-DANLOS SYNDROME, GRAVIS TYPE; EHLERS-DANLOS SYNDROME, SEVERE CLASSIC TYPE; Ehlers-Danlos syndrome, type 1; EDS I; Ehlers-Danlos Syndrome, Classic Type, COL5A1-Related. Identifiers: MedGen C0268335, MONDO:0019567, OMIM 130000.

Allele frequency attached by ClinVar (database versions not stated): gnomAD exomes 0.00001; TOPMed below 0.00001.
gnomAD v4.1: 5 of 1,614,106 alleles (0.00031%); highest among the groups gnomAD compares: Admixed American, 0.0083%; no homozygotes.

Submissions (3):

Labcorp Genetics (formerly Invitae), Labcorp
Classification: Uncertain significance for Osteogenesis imperfecta type I; Ehlers-Danlos syndrome, classic type, 1. Last evaluated: 2025-01-01. Review status: criteria provided, single submitter. Criteria: Invitae Variant Classification Sherloc (09022015). Collection method: clinical testing. Allele origin: germline.
Comment: This sequence change replaces valine, which is neutral and non-polar, with glycine, which is neutral and non-polar, at codon 1047 of the COL1A2 protein (p.Val1047Gly). This variant is present in population databases (no rsID available, gnomAD 0.009%). This variant has not been reported in the literature in individuals affected with COL1A2-related conditions. ClinVar contains an entry for this variant (Variation ID: 1314659). Invitae Evidence Modeling of protein sequence and biophysical properties (such as structural, functional, and spatial information, amino acid conservation, physicochemical variation, residue mobility, and thermodynamic stability) indicates that this missense variant is not expected to disrupt COL1A2 protein function with a negative predictive value of 95%. In summary, the available evidence is currently insufficient to determine the role of this variant in disease. Therefore, it has been classified as a Variant of Uncertain Significance.

Ambry Genetics
Classification: Uncertain significance for Cardiovascular phenotype. Last evaluated: 2024-03-01. Review status: criteria provided, single submitter. Criteria: Ambry Variant Classification Scheme 2023. Collection method: clinical testing. Allele origin: germline.
Comment: The p.V1047G variant (also known as c.3140T>G), located in coding exon 47 of the COL1A2 gene, results from a T to G substitution at nucleotide position 3140. The valine at codon 1047 is replaced by glycine, an amino acid with dissimilar properties. This amino acid position is not well conserved in available vertebrate species. In addition, the in silico prediction for this alteration is inconclusive. Based on the available evidence, the clinical significance of this alteration remains unclear.

GeneDx
Classification: Uncertain significance. Last evaluated: 2021-04-14. Review status: criteria provided, single submitter. Criteria: GeneDx Variant Classification Process June 2021. Collection method: clinical testing. Allele origin: germline. Affected: yes.
Comment: Has not been previously published as pathogenic or benign to our knowledge; Not observed at a significant frequency in large population cohorts (Lek et al., 2016); In silico analysis supports that this missense variant does not alter protein structure/function; Occurs in the triple helical domain at the Y position in the canonical Gly-X-Y repeat; although this variant may have an effect on normal protein folding and function, missense substitution at the Y position is not a common mechanism of disease (Stenson et al., 2014)